The following is an entry in ClinVar:

ClinVar aggregate classification (germline): Likely benign (1 of 4 stars; one submission).

Allele frequency attached by ClinVar (database versions not stated): gnomAD 0.00009; gnomAD exomes 0.00025.

Submission:

CeGaT Center for Human Genetics Tuebingen
Classification: Likely benign. Last evaluated: 2026-07-01. Review status: criteria provided, single submitter. Criteria: CeGaT Center For Human Genetics Tuebingen Variant Classification Criteria Version 2. Collection method: clinical testing. Allele origin: germline. Affected: yes. Observed: 13 variant alleles.
Comment: CD40LG: BS2

NC_000023.11:g.136648058_136648059insC

Gene: CD40LG (CD40 ligand; plus strand). Cytogenetic location: Xq26.3.
Variant type: Insertion.
Genome position: GRCh38 VCF-style: chrX-136648058-A-AC. GRCh37 (hg19) VCF-style: chrX-135730217-A-AC.
Identifiers: ClinVar variation 2661522 (VCV002661522.24), dbSNP rs1305018062, ClinGen allele CA644630460.